The following is an entry in ClinVar:

NM_020831.6(MRTFA):c.2936A>C (p.Asp979Ala)

Gene: MRTFA (myocardin related transcription factor A; minus strand). Cytogenetic location: 22q13.1.
Variant type: single nucleotide variant.
Coding change: c.2936A>C on transcript NM_020831.6 (MANE Select); coding-DNA position 2936, A replaced by C.
Protein change: p.Asp979Ala; replaces aspartic acid 979 with alanine.
Molecular consequence: missense variant. On other transcripts: 3 prime UTR variant (1).
Genome position (GRCh38, 1-based): chr22:40,411,550, T>G on the plus strand (A>C on the coding strand, the complement: MRTFA is on the minus strand). VCF-style: chr22-40411550-T-G. GRCh37 (hg19) VCF-style: chr22-40807554-T-G.
Other names: c.2636A>C, p.Asp879Ala (NM_001282660.2); c.2786A>C, p.Asp929Ala (NM_001282661.3); c.*249A>C (NM_001282662.3); c.2741A>C, p.Asp914Ala (NM_001318139.2); short protein forms D929A, D979A, D879A, D914A.
Identifiers: ClinVar variation 1682916 (VCV001682916.6), dbSNP rs2147047139, ClinGen allele CA411651665.
Genomic context (GRCh38, chr22:40,411,550, plus strand): 5'-ACGGGACCACCTGACGACAGCTCCAGCCAGTCCATGCTGTCCAGGTGGCCATCAGCCAGG[T>G]CCAGGCCCATGGTGCTGCTGGGCTCAGGAACAAAGTGCAATTCCGAGGTGTCCATGGGTG-3'
Protein context (NP_065882.2, residues 969-989): VPEPSSTMGL[Asp979Ala]LADGHLDSMD

ClinVar aggregate classification (germline): Uncertain significance (1 of 4 stars; one submission).

Submission:

Labcorp Genetics (formerly Invitae), Labcorp
Classification: Uncertain significance. Last evaluated: 2021-10-05. Review status: criteria provided, single submitter. Criteria: Invitae Variant Classification Sherloc (09022015). Collection method: clinical testing. Allele origin: germline.
Comment: Algorithms developed to predict the effect of missense changes on protein structure and function are either unavailable or do not agree on the potential impact of this missense change (SIFT: "Deleterious"; PolyPhen-2: "Benign"; Align-GVGD: "Class C25"). In summary, the available evidence is currently insufficient to determine the role of this variant in disease. Therefore, it has been classified as a Variant of Uncertain Significance. This variant has not been reported in the literature in individuals affected with MKL1-related conditions. This variant is not present in population databases (ExAC no frequency). This sequence change replaces aspartic acid with alanine at codon 879 of the MKL1 protein (p.Asp879Ala). The aspartic acid residue is highly conserved and there is a moderate physicochemical difference between aspartic acid and alanine.